The following is an entry in ClinVar:

NM_007118.4(TRIO):c.5912+3A>G

Gene: TRIO (trio Rho guanine nucleotide exchange factor; plus strand). Cytogenetic location: 5p15.2.
Variant type: single nucleotide variant.
Coding change: c.5912+3A>G on transcript NM_007118.4 (MANE Select); 3 bases into the intron after coding-DNA position 5912, A replaced by G.
Molecular consequence: intron variant.
Genome position (GRCh38, 1-based): chr5:14,471,469, A>G. VCF-style: chr5-14471469-A-G. GRCh37 (hg19) VCF-style: chr5-14471578-A-G.
Identifiers: ClinVar variation 3068520 (VCV003068520.2), dbSNP rs2533563164, ClinGen allele CA2825001410.

ClinVar aggregate classification (germline): Likely pathogenic (1 of 4 stars; one submission).

Conditions:
Intellectual developmental disorder, autosomal dominant 44, with microcephaly. Also called: TRIO-Related Intellectual Disability; Micrognathia-recurrent infections-behavioral abnormalities-mild intellectual disability syndrome. Identifiers: Orphanet 476126, MedGen C4310740, MONDO:0014892, OMIM 617061.

Submission:

Center for Human Genetics and Genomic Medicine, Uniklinik Rwth Aachen
Classification: Likely pathogenic for Intellectual developmental disorder, autosomal dominant 44, with microcephaly. Last evaluated: 2024-04-10. Review status: criteria provided, single submitter. Criteria: ACMG Guidelines, 2015. Collection method: clinical testing. Allele origin: maternal. Inheritance: Autosomal dominant inheritance. Affected: yes.
Comment: the variant has not yet been reported to online databases (clinvar, dbSNP, gnomAD). It has a predicted splicing impact. The ACMG criteria are PVS1 and PM2. The variant is classified as likely pathogenic.